The following is an entry in ClinVar:

ClinVar aggregate classification (germline): Likely pathogenic (1 of 4 stars; one submission).

Conditions:
Joubert syndrome. Also called: CEREBELLOPARENCHYMAL DISORDER IV; JOUBERT-BOLTSHAUSER SYNDROME; Familial aplasia of the vermis. Identifiers: Orphanet 475, MedGen C5979921, MONDO:0018772.
Nephronophthisis. Also called: Juvenile Nephronophthisis. Identifiers: Orphanet 655, MedGen C0687120, MONDO:0019005, HP:0000090.
Meckel-Gruber syndrome. Also called: DYSENCEPHALIA SPLANCHNOCYSTICA; GRUBER SYNDROME; Dysencephalia splachnocystica. Identifiers: Orphanet 564, MedGen C0265215, MONDO:0018921.

Submission:

Labcorp Genetics (formerly Invitae), Labcorp
Classification: Likely pathogenic for Joubert syndrome; Meckel-Gruber syndrome; Nephronophthisis. Last evaluated: 2023-06-28. Review status: criteria provided, single submitter. Criteria: Invitae Variant Classification Sherloc (09022015). Collection method: clinical testing. Allele origin: germline.
Comment: In summary, the currently available evidence indicates that the variant is pathogenic, but additional data are needed to prove that conclusively. Therefore, this variant has been classified as Likely Pathogenic. Algorithms developed to predict the effect of sequence changes on RNA splicing suggest that this variant may disrupt the consensus splice site. This variant has not been reported in the literature in individuals affected with CEP290-related conditions. This variant is not present in population databases (gnomAD no frequency). This sequence change affects an acceptor splice site in intron 37 of the CEP290 gene. It is expected to disrupt RNA splicing. Variants that disrupt the donor or acceptor splice site typically lead to a loss of protein function (PMID: 16199547), and loss-of-function variants in CEP290 are known to be pathogenic (PMID: 16909394, 17345604, 20690115).

Literature cited by the submitters: PubMed 16199547; PubMed 16909394; PubMed 17345604; PubMed 20690115.

NM_025114.4(CEP290):c.5013-1G>A

Gene: CEP290 (centrosomal protein 290; minus strand). Cytogenetic location: 12q21.32.
Variant type: single nucleotide variant.
Coding change: c.5013-1G>A on transcript NM_025114.4 (MANE Select); the canonical splice acceptor site of the intron before coding-DNA position 5013, G replaced by A.
Molecular consequence: splice acceptor variant.
Genome position (GRCh38, 1-based): chr12:88,080,396, C>T on the plus strand (G>A on the coding strand, the complement: CEP290 is on the minus strand). VCF-style: chr12-88080396-C-T. GRCh37 (hg19) VCF-style: chr12-88474173-C-T.
Identifiers: ClinVar variation 2949064 (VCV002949064.3), dbSNP rs2499914261, ClinGen allele CA385991684.